The following is an entry in ClinVar:

ClinVar aggregate classification (germline): Uncertain significance (1 of 4 stars; one submission).

Allele frequency attached by ClinVar (database versions not stated): gnomAD exomes below 0.00001.

Submission:

Labcorp Genetics (formerly Invitae), Labcorp
Classification: Uncertain significance. Last evaluated: 2025-06-12. Review status: criteria provided, single submitter. Criteria: Invitae Variant Classification Sherloc (09022015). Collection method: clinical testing. Allele origin: germline.
Comment: This sequence change replaces cysteine, which is neutral and slightly polar, with arginine, which is basic and polar, at codon 401 of the VPS33B protein (p.Cys401Arg). This variant is present in population databases (no rsID available, gnomAD 0.006%). This variant has not been reported in the literature in individuals affected with VPS33B-related conditions. ClinVar contains an entry for this variant (Variation ID: 1713751). Invitae Evidence Modeling of protein sequence and biophysical properties (such as structural, functional, and spatial information, amino acid conservation, physicochemical variation, residue mobility, and thermodynamic stability) indicates that this missense variant is expected to disrupt VPS33B protein function with a positive predictive value of 80%. In summary, the available evidence is currently insufficient to determine the role of this variant in disease. Therefore, it has been classified as a Variant of Uncertain Significance.

NM_018668.5(VPS33B):c.1201T>C (p.Cys401Arg)

Gene: VPS33B (VPS33B late endosome and lysosome associated; minus strand). Cytogenetic location: 15q26.1.
Variant type: single nucleotide variant.
Coding change: c.1201T>C on transcript NM_018668.5 (MANE Select); coding-DNA position 1201, T replaced by C.
Protein change: p.Cys401Arg; replaces cysteine 401 with arginine.
Molecular consequence: missense variant.
Genome position (GRCh38, 1-based): chr15:91,004,901, A>G on the plus strand (T>C on the coding strand, the complement: VPS33B is on the minus strand). VCF-style: chr15-91004901-A-G. GRCh37 (hg19) VCF-style: chr15-91548131-A-G.
Other names: c.1120T>C, p.Cys374Arg (NM_001289148.1); c.928T>C, p.Cys310Arg (NM_001289149.1); short protein forms C310R, C374R, C401R.
Identifiers: ClinVar variation 1713751 (VCV001713751.5), dbSNP rs1156966876, ClinGen allele CA393848982.